The following is an entry in ClinVar:

ClinVar aggregate classification (germline): Pathogenic (1 of 4 stars; one submission).

Conditions:
Cerebral cavernous malformation 2. Also called: Familial Cerebral Cavernous Malformation 2. Identifiers: Orphanet 221061, MedGen C1864041, MONDO:0011304, OMIM 603284.

Submission:

Labcorp Genetics (formerly Invitae), Labcorp
Classification: Pathogenic for Cerebral cavernous malformations 2. Last evaluated: 2019-12-05. Review status: criteria provided, single submitter. Criteria: Invitae Variant Classification Sherloc (09022015). Collection method: clinical testing. Allele origin: germline.
Comment: This sequence change creates a premature translational stop signal (p.Glu324*) in the CCM2 gene. It is expected to result in an absent or disrupted protein product. This variant is not present in population databases (ExAC no frequency). This variant has not been reported in the literature in individuals with CCM2-related conditions. Loss-of-function variants in CCM2 are known to be pathogenic (PMID: 2468908, 14624391, 17160895, 18300272). For these reasons, this variant has been classified as Pathogenic.

NM_031443.4(CCM2):c.970G>T (p.Glu324Ter)

Gene: CCM2 (CCM2 scaffold protein; plus strand). Cytogenetic location: 7p13.
Variant type: single nucleotide variant.
Coding change: c.970G>T on transcript NM_031443.4 (MANE Select); coding-DNA position 970, G replaced by T.
Protein change: p.Glu324Ter; replaces glutamic acid 324 with a stop codon.
Molecular consequence: nonsense. On other transcripts: non-coding transcript variant (1).
Genome position (GRCh38, 1-based): chr7:45,074,324, G>T. VCF-style: chr7-45074324-G-T. GRCh37 (hg19) VCF-style: chr7-45113923-G-T.
Other names: c.1033G>T, p.Glu345Ter (NM_001029835.2); c.796G>T, p.Glu266Ter (NM_001167934.2); c.697G>T, p.Glu233Ter (NM_001167935.2); c.1093G>T, p.Glu365Ter (NM_001363458.2); c.919G>T, p.Glu307Ter (NM_001363459.2); short protein forms E365*, E345*, E233*, E266*, E307*, E324*.
Identifiers: ClinVar variation 862971 (VCV000862971.1), dbSNP rs756276859, ClinGen allele CA367431309.